The following is an entry in ClinVar:

ClinVar aggregate classification (germline): Uncertain significance (1 of 4 stars; one submission).

Submission:

Labcorp Genetics (formerly Invitae), Labcorp
Classification: Uncertain significance. Last evaluated: 2021-06-11. Review status: criteria provided, single submitter. Criteria: Invitae Variant Classification Sherloc (09022015). Collection method: clinical testing. Allele origin: germline.
Comment: This variant has not been reported in the literature in individuals with REPS1-related conditions. This variant is not present in population databases (ExAC no frequency). This sequence change replaces serine with cysteine at codon 19 of the REPS1 protein (p.Ser19Cys). The serine residue is weakly conserved and there is a moderate physicochemical difference between serine and cysteine. Algorithms developed to predict the effect of missense changes on protein structure and function are either unavailable or do not agree on the potential impact of this missense change (SIFT: "Tolerated"; PolyPhen-2: "Possibly Damaging"; Align-GVGD: "Class C0"). In summary, the available evidence is currently insufficient to determine the role of this variant in disease. Therefore, it has been classified as a Variant of Uncertain Significance.

NM_001286611.2(REPS1):c.56C>G (p.Ser19Cys)

Gene: REPS1 (RALBP1 associated Eps domain containing 1; minus strand). Cytogenetic location: 6q24.1.
Variant type: single nucleotide variant.
Coding change: c.56C>G on transcript NM_001286611.2 (MANE Select); coding-DNA position 56, C replaced by G.
Protein change: p.Ser19Cys; replaces serine 19 with cysteine.
Molecular consequence: missense variant.
Genome position (GRCh38, 1-based): chr6:138,987,627, G>C on the plus strand (C>G on the coding strand, the complement: REPS1 is on the minus strand). VCF-style: chr6-138987627-G-C. GRCh37 (hg19) VCF-style: chr6-139308764-G-C.
Other names: c.56C>G, p.Ser19Cys (NM_001128617.3, NM_001286612.2, NM_031922.5); short protein forms S19C.
Identifiers: ClinVar variation 1359387 (VCV001359387.8), dbSNP rs1297650843, ClinGen allele CA365871885.
Genomic context (GRCh38, chr6:138,987,627, plus strand): 5'-AACAGCTCCAGCACCCGCCCGTTGACCACCACCTTCTTGGTGCTCTCAATGTCGCAGTAG[G>C]AGAAGAGATCTGAATAGTATTTCTGCTCCGCATCGCTCAGCGTTAAGCCTTCCATCTTCG-3'
Protein context (NP_001273540.1, residues 9-29): AEQKYYSDLF[Ser19Cys]YCDIESTKKV